The following is an entry in ClinVar:

NM_000718.4(CACNA1B):c.4490A>G (p.Tyr1497Cys)

Gene: CACNA1B (calcium voltage-gated channel subunit alpha1 B; plus strand). Cytogenetic location: 9q34.3.
Variant type: single nucleotide variant.
Coding change: c.4490A>G on transcript NM_000718.4 (MANE Select); coding-DNA position 4490, A replaced by G.
Protein change: p.Tyr1497Cys; replaces tyrosine 1497 with cysteine.
Molecular consequence: missense variant.
Genome position (GRCh38, 1-based): chr9:138,059,095, A>G. VCF-style: chr9-138059095-A-G. GRCh37 (hg19) VCF-style: chr9-140953547-A-G.
Other names: c.4490A>G, p.Tyr1497Cys (NM_001243812.2); short protein forms Y1497C.
Identifiers: ClinVar variation 1990437 (VCV001990437.1), dbSNP rs755068392, ClinGen allele CA5377010.
Genomic context (GRCh38, chr9:138,059,095, plus strand): 5'-GGGGCTGCCAAACCCATGGCCAACAGTGCCTATTCCCCGGGCAGTTCTATGATGCACCCT[A>G]TGAGTACGAGCTGATGCTGAAATGCCTGAACATCGTGTTCACATCCATGTTCTCCATGGA-3'
Protein context (NP_000709.1, residues 1487-1507): VLMMKFYDAP[Tyr1497Cys]EYELMLKCLN

ClinVar aggregate classification (germline): Uncertain significance (1 of 4 stars; one submission).

Allele frequency attached by ClinVar (database versions not stated): TOPMed below 0.00001; ExAC 0.00001; gnomAD 0.00001.
gnomAD v4.1: 14 of 1,610,494 alleles (0.00087%); highest among the groups gnomAD compares: Non-Finnish European, 0.0011%; no homozygotes.

Submission:

Labcorp Genetics (formerly Invitae), Labcorp
Classification: Uncertain significance. Last evaluated: 2022-07-25. Review status: criteria provided, single submitter. Criteria: Invitae Variant Classification Sherloc (09022015). Collection method: clinical testing. Allele origin: germline.
Comment: This sequence change replaces tyrosine, which is neutral and polar, with cysteine, which is neutral and slightly polar, at codon 1497 of the CACNA1B protein (p.Tyr1497Cys). This variant is present in population databases (rs755068392, gnomAD 0.003%). This variant has not been reported in the literature in individuals affected with CACNA1B-related conditions. Advanced modeling of protein sequence and biophysical properties (such as structural, functional, and spatial information, amino acid conservation, physicochemical variation, residue mobility, and thermodynamic stability) performed at Invitae indicates that this missense variant is not expected to disrupt CACNA1B protein function. In summary, the available evidence is currently insufficient to determine the role of this variant in disease. Therefore, it has been classified as a Variant of Uncertain Significance.